The following is an entry in ClinVar:

NM_012199.5(AGO1):c.760G>A (p.Val254Ile)

Genes: AGO1 (argonaute RISC component 1; plus strand), LOC129930123 (ATAC-STARR-seq lymphoblastoid active region 740; plus strand). Cytogenetic location: 1p34.3.
Variant type: single nucleotide variant.
Coding change: c.760G>A on transcript NM_012199.5 (MANE Select); coding-DNA position 760, G replaced by A.
Protein change: p.Val254Ile; replaces valine 254 with isoleucine.
Molecular consequence: missense variant.
Genome position (GRCh38, 1-based): chr1:35,894,147, G>A. VCF-style: chr1-35894147-G-A. GRCh37 (hg19) VCF-style: chr1-36359748-G-A.
Other names: c.760G>A, p.Val254Ile (NM_001317122.2); c.535G>A, p.Val179Ile (NM_001317123.2); short protein forms V179I, V254I.
Identifiers: ClinVar variation 1300186 (VCV001300186.4), dbSNP rs1645274152, ClinGen allele CA339368612.

ClinVar aggregate classification (germline): Uncertain significance. Review status: criteria provided, single submitter (1 of 4 stars). 3 submissions from 3 submitters: Uncertain significance (1). 2 of the submissions do not count toward it. Last evaluated 2021-05-21.

Conditions:
Neurodevelopmental disorder with language delay and behavioral abnormalities, with or without seizures (NEDLBAS). Identifiers: MedGen C5830365, MONDO:0859531, OMIM 620292.
Intellectual disability. Also called: intellectual disabilities; Intellectual functioning disability; Intellectual developmental disorder. Identifiers: MedGen C3714756, MeSH D008607, MONDO:0001071, HP:0001249.

Allele frequency attached by ClinVar (database versions not stated): gnomAD exomes below 0.00001.
gnomAD v4.1: 5 of 1,578,314 alleles (0.00032%); highest among the groups gnomAD compares: East Asian, 0.0022%; no homozygotes.

Submissions (3):

GeneDx
Classification: Uncertain significance. Last evaluated: 2021-05-21. Review status: criteria provided, single submitter. Criteria: GeneDx Variant Classification Process June 2021. Collection method: clinical testing. Allele origin: germline. Affected: yes.
Comment: Not observed in large population cohorts (Lek et al., 2016); In silico analysis supports that this missense variant does not alter protein structure/function; Has not been previously published as pathogenic or benign to our knowledge

OMIM
Classification: Pathogenic for NEURODEVELOPMENTAL DISORDER WITH LANGUAGE DELAY AND BEHAVIORAL ABNORMALITIES, WITH SEIZURES. Last evaluated: 2023-03-22. Review status: no assertion criteria provided. Collection method: literature only. Allele origin: germline. Not counted in ClinVar's aggregate classification.

Diagnostic Laboratory, Strasbourg University Hospital
Classification: Likely pathogenic for Intellectual disability. Review status: no assertion criteria provided. Collection method: clinical testing. Allele origin: de novo. Inheritance: Sporadic. Affected: yes. Not counted in ClinVar's aggregate classification.

Literature cited by the submitters: PubMed 34930816 (cited by OMIM).